The following is an entry in ClinVar:

ClinVar aggregate classification (germline): Uncertain significance (1 of 4 stars; one submission).

Conditions:
Inborn genetic diseases. Identifiers: MedGen C0950123, MeSH D030342.

Submission:

Ambry Genetics
Classification: Uncertain significance for Inborn genetic diseases. Last evaluated: 2025-10-09. Review status: criteria provided, single submitter. Criteria: Ambry Variant Classification Scheme 2023. Collection method: clinical testing. Allele origin: germline.
Comment: The p.Q934R variant (also known as c.2801A>G), located in coding exon 24 of the ANKRD26 gene, results from an A to G substitution at nucleotide position 2801. The glutamine at codon 934 is replaced by arginine, an amino acid with highly similar properties. This amino acid position is conserved. In addition, this alteration is predicted to be tolerated by in silico analysis. Based on the available evidence, the clinical significance of this variant remains unclear.

NM_014915.3(ANKRD26):c.2801A>G (p.Gln934Arg)

Gene: ANKRD26 (ankyrin repeat domain 26; minus strand). Cytogenetic location: 10p12.1.
Variant type: single nucleotide variant.
Coding change: c.2801A>G on transcript NM_014915.3 (MANE Select); coding-DNA position 2801, A replaced by G.
Protein change: p.Gln934Arg; replaces glutamine 934 with arginine.
Molecular consequence: missense variant.
Genome position (GRCh38, 1-based): chr10:27,035,649, T>C on the plus strand (A>G on the coding strand, the complement: ANKRD26 is on the minus strand). VCF-style: chr10-27035649-T-C. GRCh37 (hg19) VCF-style: chr10-27324578-T-C.
Other names: c.2798A>G, p.Gln933Arg (NM_001256053.2); short protein forms Q933R, Q934R.
Identifiers: ClinVar variation 4579242 (VCV004579242.1).